The following is an entry in ClinVar:

NM_025114.4(CEP290):c.3644C>T (p.Ala1215Val)

Gene: CEP290 (centrosomal protein 290; minus strand). Cytogenetic location: 12q21.32.
Variant type: single nucleotide variant.
Coding change: c.3644C>T on transcript NM_025114.4 (MANE Select); coding-DNA position 3644, C replaced by T.
Protein change: p.Ala1215Val; replaces alanine 1215 with valine.
Molecular consequence: missense variant.
Genome position (GRCh38, 1-based): chr12:88,089,417, G>A on the plus strand (C>T on the coding strand, the complement: CEP290 is on the minus strand). VCF-style: chr12-88089417-G-A. GRCh37 (hg19) VCF-style: chr12-88483194-G-A.
Other names: c.3644C>T (NM_025114.3); short protein forms A1215V.
Identifiers: ClinVar variation 1383816 (VCV001383816.7), dbSNP rs1420933299, ClinGen allele CA386001019.

ClinVar aggregate classification (germline): Uncertain significance. Review status: criteria provided, multiple submitters, no conflicts (2 of 4 stars). 3 submissions from 3 submitters: Uncertain significance (3). Last evaluated 2026-03-11.

Conditions:
Joubert syndrome. Also called: Familial aplasia of the vermis; JOUBERT-BOLTSHAUSER SYNDROME. Identifiers: Orphanet 475, MedGen C5979921, MONDO:0018772.
Nephronophthisis. Also called: Juvenile Nephronophthisis. Identifiers: Orphanet 655, MedGen C0687120, MONDO:0019005, HP:0000090.
Meckel-Gruber syndrome. Also called: Dysencephalia splachnocystica; GRUBER SYNDROME; DYSENCEPHALIA SPLANCHNOCYSTICA. Identifiers: Orphanet 564, MedGen C0265215, MONDO:0018921.
CEP290-related disorder. Also called: CEP290-related condition; CEP290-related disorders. Identifiers: MedGen CN239314.

Allele frequency attached by ClinVar (database versions not stated): gnomAD 0.00001; gnomAD exomes 0.00001; TOPMed 0.00001.
gnomAD v4.1: 14 of 1,609,190 alleles (0.00087%); highest among the groups gnomAD compares: Admixed American, 0.0017%; no homozygotes.

Submissions (3):

PreventionGenetics, part of Exact Sciences
Classification: Uncertain significance for CEP290-related condition. Last evaluated: 2026-03-11. Review status: criteria provided, single submitter. Criteria: ACMG Guidelines, 2015. Collection method: clinical testing. Allele origin: germline.
Comment: The CEP290 c.3644C>T variant is predicted to result in the amino acid substitution p.Ala1215Val. To our knowledge, this variant has not been reported in the literature. This variant is reported in 0.0030% of alleles in individuals of Latino descent in gnomAD. At this time, the clinical significance of this variant is uncertain due to the absence of conclusive functional and genetic evidence.

Labcorp Genetics (formerly Invitae), Labcorp
Classification: Uncertain significance for Joubert syndrome; Meckel-Gruber syndrome; Nephronophthisis. Last evaluated: 2024-11-11. Review status: criteria provided, single submitter. Criteria: Invitae Variant Classification Sherloc (09022015). Collection method: clinical testing. Allele origin: germline.
Comment: This sequence change replaces alanine, which is neutral and non-polar, with valine, which is neutral and non-polar, at codon 1215 of the CEP290 protein (p.Ala1215Val). This variant is present in population databases (no rsID available, gnomAD 0.003%). This variant has not been reported in the literature in individuals affected with CEP290-related conditions. ClinVar contains an entry for this variant (Variation ID: 1383816). An algorithm developed to predict the effect of missense changes on protein structure and function outputs the following: PolyPhen-2: "Benign". The valine amino acid residue is found in multiple mammalian species, which suggests that this missense change does not adversely affect protein function. In summary, the available evidence is currently insufficient to determine the role of this variant in disease. Therefore, it has been classified as a Variant of Uncertain Significance.

GeneDx
Classification: Uncertain significance. Last evaluated: 2023-03-24. Review status: criteria provided, single submitter. Criteria: GeneDx Variant Classification Process June 2021. Collection method: clinical testing. Allele origin: germline. Affected: yes.
Comment: Not observed at significant frequency in large population cohorts (gnomAD); In silico analysis supports that this missense variant does not alter protein structure/function; Has not been previously published as pathogenic or benign to our knowledge